The following is an entry in ClinVar:

NM_002617.4(PEX10):c.587del (p.Thr196fs)

Gene: PEX10 (peroxisomal biogenesis factor 10; minus strand). Cytogenetic location: 1p36.32.
Variant type: Deletion.
Coding change: c.587del on transcript NM_002617.4 (MANE Select); coding-DNA position 587, one base deleted (C; older notation c.587delC).
Protein change: p.Thr196fs; shifts the reading frame from threonine 196.
Molecular consequence: frameshift variant. On other transcripts: non-coding transcript variant (1).
Genome position (GRCh38, 1-based): chr1:2,408,465, G deleted on the plus strand (C on the coding strand, the reverse complement: PEX10 is on the minus strand). VCF-style (leftmost placement, unchanged base first): chr1-2408464-CG-C. GRCh37 (hg19) VCF-style: chr1-2339903-CG-C.
Other names: c.587del, p.Thr196fs (NM_001374425.1, NM_153818.2); c.155del, p.Thr52fs (NM_001374426.1, NM_001374427.1); short protein forms T196fs, T52fs.
Identifiers: ClinVar variation 1705110 (VCV001705110.4), dbSNP rs1557910161, ClinGen allele CA521014078.

ClinVar aggregate classification (germline): Likely pathogenic. Review status: criteria provided, multiple submitters, no conflicts (2 of 4 stars). 3 submissions from 3 submitters: Likely pathogenic (3). Last evaluated 2025-08-10.

Conditions:
Zellweger spectrum disorders (ZS). Also called: Zellweger Spectrum Disorder; Zellweger Spectrum; Zellweger syndrome; Zellweger Spectrum Disorder (ZSD). Identifiers: Orphanet 912, MedGen C0043459, MONDO:0019609.
Peroxisome biogenesis disorder. Identifiers: Orphanet 79189, MedGen C1832200, MONDO:0019234. Disease mechanism: loss of function.
Peroxisome biogenesis disorder 6A (Zellweger). Also called: Peroxisome biogenesis disorder 6A. Identifiers: Orphanet 912, MedGen C3553947, MONDO:0013936, OMIM 614870.

Allele frequency attached by ClinVar (database versions not stated): gnomAD exomes below 0.00001.

Submissions (3):

Natera, Inc.
Classification: Likely pathogenic for Zellweger syndrome. Last evaluated: 2025-08-10. Review status: criteria provided, single submitter. Criteria: Natera Variant Classification Schema (03/2026). Collection method: clinical testing. Allele origin: germline.
Comment: The c.587delC variant in PEX10 is a frameshift variant predicted to shift the reading frame beginning at codon 196 and leads to a stop codon 8 codons downstream. This variant is expected to result in nonsense mediated decay, truncation, or a dysfunctional protein product. This variant is rare in the general population with a frequency below the threshold expected for the associated phenotype(s). Given the available evidence, this variant is classified as Likely Pathogenic.

Baylor Genetics
Classification: Likely pathogenic for Peroxisome biogenesis disorder 6A (Zellweger). Last evaluated: 2024-03-12. Review status: criteria provided, single submitter. Criteria: ACMG Guidelines, 2015. Collection method: clinical testing. Allele origin: unknown.

Women's Health and Genetics/Laboratory Corporation of America, LabCorp
Classification: Likely pathogenic for Peroxisome biogenesis disorder. Last evaluated: 2022-08-15. Review status: criteria provided, single submitter. Criteria: LabCorp Variant Classification Summary - May 2015. Collection method: clinical testing. Allele origin: germline.
Comment: Variant summary: PEX10 c.587delC (p.Thr196ArgfsX8) results in a premature termination codon, predicted to cause a truncation of the encoded protein or absence of the protein due to nonsense mediated decay, which are commonly known mechanisms for disease. Truncations downstream of this position have been classified as pathogenic by our laboratory. The variant allele was found at a frequency of 4e-06 in 248848 control chromosomes. To our knowledge, no occurrence of c.587delC in individuals affected with Zellweger Syndrome and no experimental evidence demonstrating its impact on protein function have been reported. No clinical diagnostic laboratories have submitted clinical-significance assessments for this variant to ClinVar after 2014. Based on the evidence outlined above, the variant was classified as likely pathogenic.